The following is an entry in ClinVar:

NM_001035.3(RYR2):c.4064T>A (p.Val1355Glu)

Genes: RYR2 (ryanodine receptor 2; plus strand), LOC126806067 (BRD4-independent group 4 enhancer GRCh37_chr1:237753258-237754457; plus strand). Cytogenetic location: 1q43.
Variant type: single nucleotide variant.
Coding change: c.4064T>A on transcript NM_001035.3 (MANE Select); coding-DNA position 4064, T replaced by A.
Protein change: p.Val1355Glu; replaces valine 1355 with glutamic acid.
Molecular consequence: missense variant.
Genome position (GRCh38, 1-based): chr1:237,590,896, T>A. VCF-style: chr1-237590896-T-A. GRCh37 (hg19) VCF-style: chr1-237754196-T-A.
Other names: short protein forms V1355E.
Identifiers: ClinVar variation 1339305 (VCV001339305.1), dbSNP rs2148438500, ClinGen allele CA345397663.

ClinVar aggregate classification (germline): Uncertain significance (1 of 4 stars; one submission).

Submission:

Phosphorus, Inc.
Classification: Uncertain significance. Last evaluated: 2022-01-19. Review status: criteria provided, single submitter. Criteria: ACMG Guidelines, 2015. Collection method: clinical testing. Allele origin: germline. Inheritance: Autosomal dominant inheritance.
Comment: This missense variant results in an amino acid substitution of Valine with Glutamic acid at codon 1355 of the RYR2 gene (transcript: NM_001035.2). This variant does not have an entry in ClinVar. This variant occurred in gnomAD with a total MAF of 0.0004% and with the highest MAF of 0.0009% in the European population. This position is conserved. In silico functional algorithms predict this variant to be benign (PolyPhen) and tolerated (SIFT). However, no functional studies were performed to confirm either of those predictions. The variant has not occurred in the literature in association with the disease. Considering that this is a rare variant and the available evidence is not enough to ascertain its role in disease, it has been classified as Variant of Uncertain Significance.